The following is an entry in ClinVar:

NM_007294.4(BRCA1):c.4975C>A (p.Pro1659Thr)

Gene: BRCA1 (BRCA1 DNA repair associated; minus strand). Cytogenetic location: 17q21.31.
Variant type: single nucleotide variant.
Coding change: c.4975C>A on transcript NM_007294.4 (MANE Select); coding-DNA position 4975, C replaced by A.
Protein change: p.Pro1659Thr; replaces proline 1659 with threonine.
Molecular consequence: missense variant. On other transcripts: non-coding transcript variant (1).
Genome position (GRCh38, 1-based): chr17:43,070,939, G>T on the plus strand (C>A on the coding strand, the complement: BRCA1 is on the minus strand). VCF-style: chr17-43070939-G-T. GRCh37 (hg19) VCF-style: chr17-41222956-G-T.
Other names: c.4762C>A, p.Pro1588Thr (NM_001407571.1, NM_001407902.1, NM_001407904.1 and 12 more transcripts); c.5041C>A, p.Pro1681Thr (NM_001407581.1, NM_001407582.1); c.5038C>A, p.Pro1680Thr (NM_001407583.1, NM_001407585.1, NM_001407587.1 and 1 more transcripts); c.5035C>A, p.Pro1679Thr (NM_001407590.1, NM_001407591.1); c.4975C>A, p.Pro1659Thr (NM_001407593.1, NM_001407594.1, NM_001407596.1 and 8 more transcripts); c.4972C>A, p.Pro1658Thr (NM_001407610.1, NM_001407611.1, NM_001407612.1 and 17 more transcripts); c.4969C>A, p.Pro1657Thr (NM_001407630.1, NM_001407631.1, NM_001407632.1 and 14 more transcripts); c.4897C>A, p.Pro1633Thr (NM_001407653.1, NM_001407654.1, NM_001407655.1); and 70 more; short protein forms P1612T, P1680T, P555T, P1659T, P1532T, P1570T, P1571T, P1588T.
Identifiers: ClinVar variation 865744 (VCV000865744.3), dbSNP rs2052357870, ClinGen allele CA10591578.
Genomic context (GRCh38, chr17:43,070,939, plus strand): 5'-AATGTTGTTAAGTCTTAGTCATTAGGGAGATACATATGGATACACTCACAAATTCTTCTG[G>T]GGTCAGGCCAGACACCACCATGGACATTCTTTTGTTGACCCTTTCTGTTGAAGCTGTCAA-3'
Protein context (NP_009225.1, residues 1649-1669): RMSMVVSGLT[Pro1659Thr]EEFMLVYKFA

Conditions:
Breast-ovarian cancer, familial, susceptibility to, 1 (BROVCA1). Also called: BRCA1 Hereditary Breast and Ovarian Cancer; OVARIAN CANCER, SUSCEPTIBILITY TO. Identifiers: Orphanet 145, MedGen C2676676, MONDO:0011450, OMIM 604370. Disease mechanism: loss of function.

Submission:

Brotman Baty Institute, University of Washington
No classification provided (evidence only). Condition: Breast-ovarian cancer, familial 1. Review status: no classification provided. Collection method: in vitro. Allele origin: not applicable. Functional consequence: functionally_normal.
ClinVar note: "not provided" was previously submitted as the classification for the variant. However, the classification appeared to be based only on an observation of functional data so it was converted to no classification on 2025-07-30.